The following is an entry in ClinVar:

ClinVar aggregate classification (germline): Uncertain significance (1 of 4 stars; one submission).

Submission:

GeneDx
Classification: Uncertain significance. Last evaluated: 2023-03-07. Review status: criteria provided, single submitter. Criteria: GeneDx Variant Classification Process June 2021. Collection method: clinical testing. Allele origin: germline. Affected: yes.
Comment: Not observed at significant frequency in large population cohorts (gnomAD); In silico analysis supports a deleterious effect on splicing; Has not been previously published as pathogenic or benign to our knowledge

NM_000216.4(ANOS1):c.1355-10G>A

Gene: ANOS1 (anosmin 1; minus strand). Cytogenetic location: Xp22.31.
Variant type: single nucleotide variant.
Coding change: c.1355-10G>A on transcript NM_000216.4 (MANE Select); 10 bases into the intron before coding-DNA position 1355, G replaced by A.
Molecular consequence: intron variant.
Genome position (GRCh38, 1-based): chrX:8,539,768, C>T on the plus strand (G>A on the coding strand, the complement: ANOS1 is on the minus strand). VCF-style: chrX-8539768-C-T. GRCh37 (hg19) VCF-style: chrX-8507809-C-T.
Identifiers: ClinVar variation 2579377 (VCV002579377.1), dbSNP rs2518469625, ClinGen allele CA2580617873.